The following is an entry in ClinVar:

ClinVar aggregate classification (germline): Uncertain significance. Review status: criteria provided, multiple submitters, no conflicts (2 of 4 stars). 2 submissions from 2 submitters: Uncertain significance (2). Last evaluated 2025-11-12.

Conditions:
Charcot-Marie-Tooth disease axonal type 2O. Also called: CHARCOT-MARIE-TOOTH NEUROPATHY, AXONAL, TYPE 2O; CHARCOT-MARIE-TOOTH DISEASE, AXONAL, AUTOSOMAL DOMINANT, TYPE 2O; Charcot-Marie-Tooth Neuropathy Type 2O; Charcot-Marie-Tooth disease, axonal, type 20. Identifiers: Orphanet 284232, MedGen C3280220, MONDO:0013644, OMIM 614228.

Submissions (2):

Dasa
Classification: Uncertain significance. Last evaluated: 2025-11-12. Review status: criteria provided, single submitter. Criteria: DASA Assertion Criteria. Collection method: clinical testing. Allele origin: germline.
Comment: NM_001376.5(DYNC1H1):c.11857G>A (p.Ala3953Thr) is a missense variant that results in the substitution of alanine with threonine. This variant is absent from population databases. The currently available literature and clinical evidence are not sufficient to establish a definitive association between this variant and the reported condition. Therefore, this variant is classified as a variant of uncertain significance.

Labcorp Genetics (formerly Invitae), Labcorp
Classification: Uncertain significance for Charcot-Marie-Tooth disease axonal type 2O. Last evaluated: 2019-01-26. Review status: criteria provided, single submitter. Criteria: Invitae Variant Classification Sherloc (09022015). Collection method: clinical testing. Allele origin: germline.
Comment: In summary, the available evidence is currently insufficient to determine the role of this variant in disease. Therefore, it has been classified as a Variant of Uncertain Significance. Algorithms developed to predict the effect of missense changes on protein structure and function (SIFT, PolyPhen-2, Align-GVGD) all suggest that this variant is likely to be tolerated, but these predictions have not been confirmed by published functional studies and their clinical significance is uncertain. This variant has not been reported in the literature in individuals with DYNC1H1-related conditions. This variant is not present in population databases (ExAC no frequency). This sequence change replaces alanine with threonine at codon 3953 of the DYNC1H1 protein (p.Ala3953Thr). The alanine residue is highly conserved and there is a small physicochemical difference between alanine and threonine.

NM_001376.5(DYNC1H1):c.11857G>A (p.Ala3953Thr)

Gene: DYNC1H1 (dynein cytoplasmic 1 heavy chain 1; plus strand). Cytogenetic location: 14q32.31.
Variant type: single nucleotide variant.
Coding change: c.11857G>A on transcript NM_001376.5 (MANE Select); coding-DNA position 11857, G replaced by A.
Protein change: p.Ala3953Thr; replaces alanine 3953 with threonine.
Molecular consequence: missense variant.
Genome position (GRCh38, 1-based): chr14:102,040,402, G>A. VCF-style: chr14-102040402-G-A. GRCh37 (hg19) VCF-style: chr14-102506739-G-A.
Other names: short protein forms A3953T.
Identifiers: ClinVar variation 841177 (VCV000841177.11), dbSNP rs2048633996, ClinGen allele CA391037108.